The following is an entry in ClinVar:

NM_130837.3(OPA1):c.833T>G (p.Leu278Arg)

Gene: OPA1 (OPA1 mitochondrial dynamin like GTPase; plus strand). Cytogenetic location: 3q29.
Variant type: single nucleotide variant.
Coding change: c.833T>G on transcript NM_130837.3 (MANE Select); coding-DNA position 833, T replaced by G.
Protein change: p.Leu278Arg; replaces leucine 278 with arginine.
Molecular consequence: missense variant.
Genome position (GRCh38, 1-based): chr3:193,631,655, T>G. VCF-style: chr3-193631655-T-G. GRCh37 (hg19) VCF-style: chr3-193349444-T-G.
Other names: c.299T>G, p.Leu100Arg (NM_001354663.2); c.296T>G, p.Leu99Arg (NM_001354664.2); c.668T>G, p.Leu223Arg (NM_015560.3); c.560T>G, p.Leu187Arg (NM_130831.3); c.614T>G, p.Leu205Arg (NM_130832.3); c.671T>G, p.Leu224Arg (NM_130833.3); c.722T>G, p.Leu241Arg (NM_130834.3); c.725T>G, p.Leu242Arg (NM_130835.3); and 1 more; short protein forms L224R, L99R, L205R, L223R, L241R, L278R, L100R, L187R.
Identifiers: ClinVar variation 4691995 (VCV004691995.1).

ClinVar aggregate classification (germline): Uncertain significance (1 of 4 stars; one submission).

gnomAD v4.1: 1 of 1,611,528 alleles (0.000062%); highest among the groups gnomAD compares: African/African-American, 0.0013%; no homozygotes.

Submission:

Labcorp Genetics (formerly Invitae), Labcorp
Classification: Uncertain significance. Last evaluated: 2025-02-16. Review status: criteria provided, single submitter. Criteria: Invitae Variant Classification Sherloc (09022015). Collection method: clinical testing. Allele origin: germline.
Comment: This sequence change replaces leucine, which is neutral and non-polar, with arginine, which is basic and polar, at codon 223 of the OPA1 protein (p.Leu223Arg). This variant is present in population databases (rs770377465, gnomAD 0.01%). This variant has not been reported in the literature in individuals affected with OPA1-related conditions. Invitae Evidence Modeling of protein sequence and biophysical properties (such as structural, functional, and spatial information, amino acid conservation, physicochemical variation, residue mobility, and thermodynamic stability) indicates that this missense variant is not expected to disrupt OPA1 protein function with a negative predictive value of 80%. In summary, the available evidence is currently insufficient to determine the role of this variant in disease. Therefore, it has been classified as a Variant of Uncertain Significance.